The following is an entry in ClinVar:

NM_000540.3(RYR1):c.13015G>C (p.Ala4339Pro)

Gene: RYR1 (ryanodine receptor 1; plus strand). Cytogenetic location: 19q13.2.
Variant type: single nucleotide variant.
Coding change: c.13015G>C on transcript NM_000540.3 (MANE Select); coding-DNA position 13015, G replaced by C.
Protein change: p.Ala4339Pro; replaces alanine 4339 with proline.
Molecular consequence: missense variant.
Genome position (GRCh38, 1-based): chr19:38,565,349, G>C. VCF-style: chr19-38565349-G-C. GRCh37 (hg19) VCF-style: chr19-39055989-G-C.
Other names: c.13015G>C (NM_000540.2); c.13000G>C, p.Ala4334Pro (NM_001042723.2); short protein forms A4339P, A4334P.
Identifiers: ClinVar variation 425185 (VCV000425185.7), dbSNP rs1064797241, ClinGen allele CA16621737.
Genomic context (GRCh38, chr19:38,565,349, plus strand): 5'-CGGCTGCGGCGGCTTACGGCCCGCGAGGCGGCCACCGCAGTGGCGGCGCTGCTCTGGGCA[G>C]CAGTGACGCGCGCTGGGGCCGCTGGCGCGGGGGCGGCGGCGGGCGCGCTGGGCCTGCTCT-3'
Protein context (NP_000531.2, residues 4329-4349): ATAVAALLWA[Ala4339Pro]VTRAGAAGAG

ClinVar aggregate classification (germline): Uncertain significance. Review status: criteria provided, multiple submitters, no conflicts (2 of 4 stars). 4 submissions from 4 submitters: Uncertain significance (4). Last evaluated 2024-05-09.

Conditions:
RYR1-related disorder. Also called: RYR1-related condition; RYR1-related disorders. Identifiers: MedGen CN239331.

Allele frequency attached by ClinVar (database versions not stated): TOPMed below 0.00001; gnomAD exomes 0.00001; gnomAD 0.00002.

Submissions (4):

Labcorp Genetics (formerly Invitae), Labcorp
Classification: Uncertain significance for RYR1-related disorder. Last evaluated: 2024-05-09. Review status: criteria provided, single submitter. Criteria: Invitae Variant Classification Sherloc (09022015). Collection method: clinical testing. Allele origin: germline.
Comment: This sequence change replaces alanine, which is neutral and non-polar, with proline, which is neutral and non-polar, at codon 4339 of the RYR1 protein (p.Ala4339Pro). This variant is present in population databases (no rsID available, gnomAD 0.007%). This variant has not been reported in the literature in individuals affected with RYR1-related conditions. ClinVar contains an entry for this variant (Variation ID: 425185). Advanced modeling of protein sequence and biophysical properties (such as structural, functional, and spatial information, amino acid conservation, physicochemical variation, residue mobility, and thermodynamic stability) performed at Invitae indicates that this missense variant is not expected to disrupt RYR1 protein function with a negative predictive value of 95%. In summary, the available evidence is currently insufficient to determine the role of this variant in disease. Therefore, it has been classified as a Variant of Uncertain Significance.

Revvity Omics, Revvity
Classification: Uncertain significance. Last evaluated: 2023-11-28. Review status: criteria provided, single submitter. Criteria: ACMG Guidelines, 2015. Collection method: clinical testing. Allele origin: germline.

GeneDx
Classification: Uncertain significance. Last evaluated: 2023-08-30. Review status: criteria provided, single submitter. Criteria: GeneDx Variant Classification Process June 2021. Collection method: clinical testing. Allele origin: germline. Affected: yes.
Comment: Not observed at significant frequency in large population cohorts (gnomAD); In silico analysis supports that this missense variant does not alter protein structure/function; Has not been previously published as pathogenic or benign to our knowledge

CeGaT Center for Human Genetics Tuebingen
Classification: Uncertain significance. Last evaluated: 2016-10-31. Review status: criteria provided, single submitter. Criteria: Praxis fuer Humangenetik Tuebingen - Variant Classification Criteria. Collection method: clinical testing. Allele origin: germline. Affected: yes. Observed: 1 variant allele.